The following is an entry in ClinVar:

ClinVar aggregate classification (germline): Conflicting classifications of pathogenicity. Review status: criteria provided, conflicting classifications (1 of 4 stars). 6 submissions from 6 submitters: Uncertain significance (3); Likely benign (3). Last evaluated 2026-01-05.

Conditions:
Cardiovascular phenotype. Identifiers: MedGen CN230736.
Hypercholesterolemia, autosomal dominant, type B (FHCL2). Also called: APOB-Related Familial Hypercholesterolemia, Autosomal Dominant; Familial Hypercholesterolemia Type B; APOLIPOPROTEIN B-100, FAMILIAL DEFECTIVE; APOLIPOPROTEIN B-100, FAMILIAL LIGAND-DEFECTIVE; Hyperlipoproteinemia Type IIb; Familial hypercholesterolemia 2. Identifiers: MedGen C1704417, MONDO:0007751, OMIM 144010.
Familial hypobetalipoproteinemia 1. Also called: APOB-Related Familial Hypobetalipoproteinemia; Hypobetalipoproteinemia, normotriglyceridemic; Acanthocytosis with hypobetalipoproteinemia. Identifiers: MedGen C4551990, MONDO:0014252, OMIM 615558.

Allele frequency attached by ClinVar (database versions not stated): gnomAD 0.00006 and 0.00007; ExAC 0.00008; gnomAD exomes 0.00011; TOPMed 0.00012; ESP Exome Variant Server 0.00038.
gnomAD v4.1: 68 of 1,613,968 alleles (0.0042%); highest among the groups gnomAD compares: Non-Finnish European, 0.001%; no homozygotes.

Submissions (6):

Labcorp Genetics (formerly Invitae), Labcorp
Classification: Likely benign for Familial hypobetalipoproteinemia 1; Hypercholesterolemia, autosomal dominant, type B. Last evaluated: 2026-01-05. Review status: criteria provided, single submitter. Criteria: Invitae Variant Classification Sherloc (09022015). Collection method: clinical testing. Allele origin: germline.

Ambry Genetics
Classification: Likely benign for Cardiovascular phenotype. Last evaluated: 2025-03-04. Review status: criteria provided, single submitter. Criteria: Ambry Variant Classification Scheme 2023. Collection method: clinical testing. Allele origin: germline.

Quest Diagnostics Nichols Institute San Juan Capistrano
Classification: Likely benign. Last evaluated: 2024-03-29. Review status: criteria provided, single submitter. Criteria: Quest Diagnostics criteria. Collection method: clinical testing. Allele origin: unknown.

New York Genome Center
Classification: Uncertain significance for Hypercholesterolemia, autosomal dominant, type B; Familial hypobetalipoproteinemia 1. Last evaluated: 2021-08-19. Review status: criteria provided, single submitter. Criteria: NYGC Assertion Criteria 2020. Collection method: clinical testing. Allele origin: germline. Observed: 1 heterozygote.
Comment: The heterozygous c.7698G>C (p.Glu2566Asp) missense variant identified in the APOB gene has been reported in a single individual affected with hypertriglyceridemia [1/438 hypertriglyceridemia patients; PMID:20657596] and in a single patient with a combined hyperlipidemia phenotype [PMID: 33303402]. The variant has 0.00007228 allele frequency in the gnomAD (v3) database (11 out of 152184 heterozygous alleles, no homozygotes) suggesting it is not a common benign variant in the populations represented in that database. This variant has been reported in the ClinVar database as a variant of uncertain significance (4) and likelybenign (1) [Variation ID: 402380]. This variant affects a moderately conserved residue [Glu2566] which is located in the first amphiphatic alpha-helical domain [residues 2045 to 2587] of the APOB protein (PMID: 19200547). In silico tools provide conflicting predictions about potential pathogenicity of this variant (CADD score= 22.4, REVEL score = 0.128). Due to the lack of compelling evidence for its pathogenicity, the heterozygous c.7698G>C (p.Glu2566Asp) missense variant identified inthe APOB gene is reported as a Variant of Uncertain Significance.

Illumina Laboratory Services, Illumina
Classification: Uncertain significance for Hypercholesterolemia, autosomal dominant, type B. Last evaluated: 2017-04-27. Review status: criteria provided, single submitter. Criteria: ICSL Variant Classification Criteria 13 December 2019. Collection method: clinical testing. Allele origin: germline.

Laboratory for Molecular Medicine, Mass General Brigham Personalized Medicine
Classification: Uncertain significance. Last evaluated: 2016-07-26. Review status: criteria provided, single submitter. Criteria: LMM Criteria. Collection method: clinical testing. Allele origin: germline.
Comment: Variant identified in a genome or exome case(s) and assessed due to predicted null impact of the variant or pathogenic assertions in the literature or databases. Disclaimer: This variant has not undergone full assessment.

Literature cited by the submitters: PubMed 19680556 (cited by Ambry Genetics); PubMed 20657596 (cited by Ambry Genetics and Quest Diagnostics Nichols Institute San Juan Capistrano); PubMed 33303402 (cited by Quest Diagnostics Nichols Institute San Juan Capistrano).

NM_000384.3(APOB):c.7698G>C (p.Glu2566Asp)

Gene: APOB (apolipoprotein B; minus strand). Cytogenetic location: 2p24.1.
Variant type: single nucleotide variant.
Coding change: c.7698G>C on transcript NM_000384.3 (MANE Select); coding-DNA position 7698, G replaced by C.
Protein change: p.Glu2566Asp; replaces glutamic acid 2566 with aspartic acid.
Molecular consequence: missense variant.
Genome position (GRCh38, 1-based): chr2:21,009,170, C>G on the plus strand (G>C on the coding strand, the complement: APOB is on the minus strand). VCF-style: chr2-21009170-C-G. GRCh37 (hg19) VCF-style: chr2-21232042-C-G.
Other names: short protein forms E2566D.
Identifiers: ClinVar variation 402380 (VCV000402380.34), dbSNP rs149306841, ClinGen allele CA064695.